The following is an entry in ClinVar:

ClinVar aggregate classification (germline): Uncertain significance. Review status: criteria provided, multiple submitters, no conflicts (2 of 4 stars). 2 submissions from 2 submitters: Uncertain significance (2). Last evaluated 2025-07-30.

Conditions:
Protein S deficiency disease. Also called: Protein S deficiency. Identifiers: MedGen C0242666, MeSH D018455, MONDO:0002304.

Submissions (2):

Victorian Clinical Genetics Services, Murdoch Childrens Research Institute
Classification: Uncertain significance for Protein S deficiency disease. Last evaluated: 2025-07-30. Review status: criteria provided, single submitter. Criteria: ACMG Guidelines, 2015. Collection method: clinical testing. Allele origin: germline.
Comment: This variant is classified as VUS-3A. Evidence in support of pathogenic classification: Variant is predicted to result in an elongated protein; Variant is absent from gnomAD (v2, v3 and v4); This variant has limited previous evidence of pathogenicity in an unrelated individual(s). This variant has been reported in the literature in an individual with arterial thrombosis and was found to segregate with type III PS deficiency between the proband and three relatives (PMIDs: 20398916, 11776305); This variant has strong evidence for segregation with disease. This variant segregated with disease in four individuals in one family with type III PS deficiency, however was not identified in unaffected relatives (PMID: 20398916); This variant has moderate functional evidence supporting abnormal protein function. This variant was reported to lead to reduced Protein S activity (PMID: 20398916). Additional information: This variant is heterozygous; This gene is associated with both recessive and dominant disease (OMIM); No comparable elongation variants have previous evidence for pathogenicity. Other elongation variants have been reported in individuals with PROS1-related features, however these are predicted to result in a longer protein (DECIPHER, PMIDs: 7579449, 26372516, 26466767); Variant is not located in an established domain, motif, hotspot or informative constraint region; Loss of function is a known mechanism of disease in this gene and is associated with dominant and recessive thrombophilia due to protein S deficiency (MIM#612336, MIM#614514); The condition associated with this gene has incomplete penetrance (PMID: 31335064); Variants in this gene are known to have variable expressivity (PMID: 20880255).

Blueprint Genetics
Classification: Uncertain significance. Last evaluated: 2024-08-08. Review status: criteria provided, single submitter. Criteria: ACMG Guidelines, 2015. Collection method: clinical testing. Allele origin: germline.

Literature cited by the submitters: PubMed 7579449 (cited by Victorian Clinical Genetics Services, Murdoch Childrens Research Institute); PubMed 20880255 (cited by Victorian Clinical Genetics Services, Murdoch Childrens Research Institute); PubMed 26466767 (cited by Victorian Clinical Genetics Services, Murdoch Childrens Research Institute); PubMed 26372516 (cited by Victorian Clinical Genetics Services, Murdoch Childrens Research Institute); PubMed 31335064 (cited by Victorian Clinical Genetics Services, Murdoch Childrens Research Institute); PubMed 11776305 (cited by Victorian Clinical Genetics Services, Murdoch Childrens Research Institute); PubMed 20398916 (cited by Victorian Clinical Genetics Services, Murdoch Childrens Research Institute).

NM_000313.4(PROS1):c.2021_2024del (p.Lys674fs)

Gene: PROS1 (protein S; minus strand). Cytogenetic location: 3q11.1.
Variant type: Deletion.
Coding change: c.2021_2024del on transcript NM_000313.4 (MANE Select); coding-DNA positions 2021 to 2024, 4 bases deleted (AGAA; older notation c.2021_2024delAGAA).
Protein change: p.Lys674fs; shifts the reading frame from lysine 674.
Molecular consequence: frameshift variant.
Genome position (GRCh38, 1-based): chr3:93,874,252-93,874,255, TTCT deleted on the plus strand (AGAA on the coding strand, the reverse complement: PROS1 is on the minus strand); deleting any 4 consecutive bases within chr3:93,874,252-93,874,257 gives the same sequence; the c. name uses the placement nearest the transcript's 3' end. VCF-style (leftmost placement, unchanged base first): chr3-93874251-ATTCT-A. GRCh37 (hg19) VCF-style: chr3-93593095-ATTCT-A.
Other names: c.2117_2120del, p.Lys706fs (NM_001314077.2); short protein forms K674fs, K706fs.
Identifiers: ClinVar variation 4531909 (VCV004531909.2).